The following is an entry in ClinVar:

NM_024809.5(TCTN2):c.613G>A (p.Gly205Ser)

Gene: TCTN2 (tectonic family member 2; plus strand). Cytogenetic location: 12q24.31.
Variant type: single nucleotide variant.
Coding change: c.613G>A on transcript NM_024809.5 (MANE Select); coding-DNA position 613, G replaced by A.
Protein change: p.Gly205Ser; replaces glycine 205 with serine.
Molecular consequence: missense variant.
Genome position (GRCh38, 1-based): chr12:123,686,884, G>A. VCF-style: chr12-123686884-G-A. GRCh37 (hg19) VCF-style: chr12-124171431-G-A.
Other names: c.610G>A, p.Gly204Ser (NM_001143850.3); c.613G>A, p.Gly205Ser (NM_001410989.1); short protein forms G204S, G205S.
Identifiers: ClinVar variation 1975729 (VCV001975729.6), dbSNP rs201827132, ClinGen allele CA245195428.

ClinVar aggregate classification (germline): Conflicting classifications of pathogenicity. Review status: criteria provided, conflicting classifications (1 of 4 stars). 2 submissions from 2 submitters: Likely pathogenic (1); Uncertain significance (1). Last evaluated 2025-04-30.

Conditions:
Meckel syndrome, type 8. Identifiers: Orphanet 564, MedGen C3836857, MONDO:0013482, OMIM 613885.
Joubert syndrome 24 (JBTS24). Identifiers: Orphanet 475, MedGen C4084841, MONDO:0014724, OMIM 616654.
Joubert syndrome. Also called: CEREBELLOPARENCHYMAL DISORDER IV; JOUBERT-BOLTSHAUSER SYNDROME; Familial aplasia of the vermis. Identifiers: Orphanet 475, MedGen C5979921, MONDO:0018772.
Meckel-Gruber syndrome. Also called: DYSENCEPHALIA SPLANCHNOCYSTICA; GRUBER SYNDROME; Dysencephalia splachnocystica. Identifiers: Orphanet 564, MedGen C0265215, MONDO:0018921.

Submissions (2):

Labcorp Genetics (formerly Invitae), Labcorp
Classification: Likely pathogenic for Joubert syndrome; Meckel-Gruber syndrome. Last evaluated: 2025-04-30. Review status: criteria provided, single submitter. Criteria: Invitae Variant Classification Sherloc (09022015). Collection method: clinical testing. Allele origin: germline.
Comment: This sequence change replaces glycine, which is neutral and non-polar, with serine, which is neutral and polar, at codon 205 of the TCTN2 protein (p.Gly205Ser). This variant is present in population databases (rs201827132, gnomAD 0.002%). This variant has not been reported in the literature in individuals affected with TCTN2-related conditions. ClinVar contains an entry for this variant (Variation ID: 1975729). Invitae Evidence Modeling of protein sequence and biophysical properties (such as structural, functional, and spatial information, amino acid conservation, physicochemical variation, residue mobility, and thermodynamic stability) indicates that this missense variant is expected to disrupt TCTN2 protein function with a positive predictive value of 80%. This variant disrupts the p.Gly205 amino acid residue in TCTN2. Other variant(s) that disrupt this residue have been determined to be pathogenic (PMID: 26092869). This suggests that this residue is clinically significant, and that variants that disrupt this residue are likely to be disease-causing. In summary, the currently available evidence indicates that the variant is pathogenic, but additional data are needed to prove that conclusively. Therefore, this variant has been classified as Likely Pathogenic.

Fulgent Genetics
Classification: Uncertain significance for Meckel syndrome, type 8; Joubert syndrome 24. Last evaluated: 2024-01-30. Review status: criteria provided, single submitter. Criteria: ACMG Guidelines, 2015. Collection method: clinical testing. Allele origin: germline.

Literature cited by the submitters: PubMed 26092869 (cited by Labcorp Genetics (formerly Invitae), Labcorp).